The following is an entry in ClinVar:

ClinVar aggregate classification (germline): Uncertain significance (1 of 4 stars; one submission).

Submission:

Labcorp Genetics (formerly Invitae), Labcorp
Classification: Uncertain significance. Last evaluated: 2022-07-12. Review status: criteria provided, single submitter. Criteria: Invitae Variant Classification Sherloc (09022015). Collection method: clinical testing. Allele origin: germline.
Comment: This sequence change replaces valine, which is neutral and non-polar, with methionine, which is neutral and non-polar, at codon 258 of the TYMP protein (p.Val258Met). In summary, the available evidence is currently insufficient to determine the role of this variant in disease. Therefore, it has been classified as a Variant of Uncertain Significance. Algorithms developed to predict the effect of missense changes on protein structure and function output the following: SIFT: "Deleterious"; PolyPhen-2: "Possibly Damaging"; Align-GVGD: "Class C0". The methionine amino acid residue is found in multiple mammalian species, which suggests that this missense change does not adversely affect protein function. ClinVar contains an entry for this variant (Variation ID: 1380159). This variant has not been reported in the literature in individuals affected with TYMP-related conditions. This variant is not present in population databases (gnomAD no frequency).

NM_001953.5(TYMP):c.772G>A (p.Val258Met)

Gene: TYMP (thymidine phosphorylase; minus strand). Cytogenetic location: 22q13.33.
Variant type: single nucleotide variant.
Coding change: c.772G>A on transcript NM_001953.5 (MANE Select); coding-DNA position 772, G replaced by A.
Protein change: p.Val258Met; replaces valine 258 with methionine.
Molecular consequence: missense variant.
Genome position (GRCh38, 1-based): chr22:50,526,732, C>T on the plus strand (G>A on the coding strand, the complement: TYMP is on the minus strand). VCF-style: chr22-50526732-C-T. GRCh37 (hg19) VCF-style: chr22-50965161-C-T.
Other names: c.772G>A, p.Val258Met (NM_001113755.3, NM_001113756.3, NM_001257988.1 and 1 more transcripts); short protein forms V258M.
Identifiers: ClinVar variation 1380159 (VCV001380159.6), dbSNP rs2069402291, ClinGen allele CA412199607.